The following is an entry in ClinVar:

ClinVar aggregate classification (germline): Likely benign. Review status: criteria provided, single submitter (1 of 4 stars). 2 submissions from 2 submitters: Likely benign (1). 1 of the submissions does not count toward it. Last evaluated 2025-11-16.

Conditions:
FAM20C-related disorder. Also called: FAM20C-related condition.

Allele frequency attached by ClinVar (database versions not stated): gnomAD 0.00003 and 0.00009; TOPMed 0.00004; gnomAD exomes 0.00013 and 0.00037; 1000 Genomes Project 0.00040; 1000 Genomes Project 30x 0.00062; ExAC 0.00081.

Submissions (2):

Labcorp Genetics (formerly Invitae), Labcorp
Classification: Likely benign. Last evaluated: 2025-11-16. Review status: criteria provided, single submitter. Criteria: Invitae Variant Classification Sherloc (09022015). Collection method: clinical testing. Allele origin: germline.

PreventionGenetics, part of Exact Sciences
Classification: Likely benign for FAM20C-related condition. Last evaluated: 2019-06-06. Review status: no assertion criteria provided. Collection method: clinical testing. Allele origin: germline. Not counted in ClinVar's aggregate classification.
Comment: This variant is classified as likely benign based on ACMG/AMP sequence variant interpretation guidelines (Richards et al. 2015 PMID: 25741868, with internal and published modifications).

NM_020223.4(FAM20C):c.1253+9G>A

Gene: FAM20C (FAM20C golgi associated secretory pathway kinase; plus strand). Cytogenetic location: 7p22.3.
Variant type: single nucleotide variant.
Coding change: c.1253+9G>A on transcript NM_020223.4 (MANE Select); 9 bases into the intron after coding-DNA position 1253, G replaced by A.
Molecular consequence: intron variant.
Genome position (GRCh38, 1-based): chr7:256,038, G>A. VCF-style: chr7-256038-G-A. GRCh37 (hg19) VCF-style: chr7-296004-G-A.
Other names: c.1253+9G>A (NM_020223.3).
Identifiers: ClinVar variation 1649405 (VCV001649405.10), dbSNP rs569922710, ClinGen allele CA4109138.
Genomic context (GRCh38, chr7:256,038, plus strand): 5'-AGACCTGGCGGAACCCTTGGCGGCGTTCCTACCACAAGCGCAAGAAGGCCGAGTGAGTGC[G>A]GGGCCGGGGGGCTGGCGTCCGGCCACCCTACGGCAGAGGGAGCTGGGCCTGGGCGGGCAT-3'